The following is an entry in ClinVar:

NM_001007559.3(SS18):c.1051C>T (p.Gln351Ter)

Gene: SS18 (SS18 subunit of BAF chromatin remodeling complex; minus strand). Cytogenetic location: 18q11.2.
Variant type: single nucleotide variant.
Coding change: c.1051C>T on transcript NM_001007559.3 (MANE Select); coding-DNA position 1051, C replaced by T.
Protein change: p.Gln351Ter; replaces glutamine 351 with a stop codon.
Molecular consequence: nonsense.
Genome position (GRCh38, 1-based): chr18:26,035,050, G>A on the plus strand (C>T on the coding strand, the complement: SS18 is on the minus strand). VCF-style: chr18-26035050-G-A. GRCh37 (hg19) VCF-style: chr18-23615014-G-A.
Other names: c.982C>T, p.Gln328Ter (NM_001308201.2); c.958C>T, p.Gln320Ter (NM_005637.4); short protein forms Q320*, Q328*, Q351*.
Identifiers: ClinVar variation 1331678 (VCV001331678.4), dbSNP rs2143854272, ClinGen allele CA402079381.

ClinVar aggregate classification (germline): Uncertain significance (0 of 4 stars; one submission).

Submission:

Greenwood Genetic Center Diagnostic Laboratories, Greenwood Genetic Center
Classification: Uncertain significance. Last evaluated: 2021-02-02. Review status: no assertion criteria provided. Collection method: clinical testing. Allele origin: germline. Affected: yes.
Comment: Gene of uncertain clinical significance